The following is an entry in ClinVar:

NM_000181.4(GUSB):c.-12G>A

Gene: GUSB (glucuronidase beta; minus strand). Cytogenetic location: 7q11.21.
Variant type: single nucleotide variant.
Coding change: c.-12G>A on transcript NM_000181.4 (MANE Select); 12 bases upstream of the start codon, G replaced by A.
Molecular consequence: 5 prime UTR variant. On other transcripts: non-coding transcript variant (1).
Genome position (GRCh38, 1-based): chr7:65,982,195, C>T on the plus strand (G>A on the coding strand, the complement: GUSB is on the minus strand). VCF-style: chr7-65982195-C-T. GRCh37 (hg19) VCF-style: chr7-65447182-C-T.
Other names: c.-12G>A (NM_001284290.2); c.-397G>A (NM_001293104.2); c.-341G>A (NM_001293105.2).
Identifiers: ClinVar variation 360558 (VCV000360558.24), dbSNP rs2279903, ClinGen allele CA4276771.

ClinVar aggregate classification (germline): Benign/Likely benign. Review status: criteria provided, multiple submitters, no conflicts (2 of 4 stars). 7 submissions from 7 submitters: Benign (5); Likely benign (1). 1 of the submissions does not count toward it. Last evaluated 2025-11-03.

Conditions:
Mucopolysaccharidosis type 7 (MPS7). Also called: GUSB DEFICIENCY; SLY SYNDROME; BETA-GLUCURONIDASE DEFICIENCY; MPS VII. Identifiers: Orphanet 584, MedGen C0085132, MONDO:0009662, OMIM 253220.

Allele frequency attached by ClinVar (database versions not stated): ESP Exome Variant Server 0.00469; gnomAD exomes 0.00894 and 0.02131; ExAC 0.01415; TOPMed 0.01657; gnomAD 0.01784 and 0.01876; 1000 Genomes Project 30x 0.03264; 1000 Genomes Project 0.03514.
gnomAD v4.1: 15,275 of 1,499,816 alleles (1%); highest among the groups gnomAD compares: East Asian, 11%; 409 homozygotes.

Submissions (7):

Labcorp Genetics (formerly Invitae), Labcorp
Classification: Benign for Mucopolysaccharidosis type 7. Last evaluated: 2025-11-03. Review status: criteria provided, single submitter. Criteria: Invitae Variant Classification Sherloc (09022015). Collection method: clinical testing. Allele origin: germline.

Women's Health and Genetics/Laboratory Corporation of America, LabCorp
Classification: Benign. Last evaluated: 2025-05-22. Review status: criteria provided, single submitter. Criteria: LabCorp Variant Classification Summary - May 2015. Collection method: clinical testing. Allele origin: germline.

Blueprint Genetics
Classification: Likely benign. Last evaluated: 2024-11-27. Review status: criteria provided, single submitter. Criteria: ACMG Guidelines, 2015. Collection method: clinical testing. Allele origin: germline.

Illumina Laboratory Services, Illumina
Classification: Benign for Mucopolysaccharidosis type 7. Last evaluated: 2018-03-06. Review status: criteria provided, single submitter. Criteria: ICSL Variant Classification Criteria 13 December 2019. Collection method: clinical testing. Allele origin: germline.
Comment: This variant was observed in the ICSL laboratory as part of a predisposition screen in an ostensibly healthy population. It had not been previously curated by ICSL or reported in the Human Gene Mutation Database (HGMD: prior to June 1st, 2018), and was therefore a candidate for classification through an automated scoring system. Utilizing variant allele frequency, disease prevalence and penetrance estimates, and inheritance mode, an automated score was calculated to assess if this variant is too frequent to cause the disease. Based on the score and internal cut-off values, a variant classified as benign is not then subjected to further curation. The score for this variant resulted in a classification of benign for this disease.

Eurofins Ntd Llc (ga)
Classification: Benign. Last evaluated: 2018-02-08. Review status: criteria provided, single submitter. Criteria: EGL Classification Definitions 2015. Collection method: clinical testing. Allele origin: germline. Observed: 1 variant allele, 1 heterozygote.

Breakthrough Genomics
Classification: Benign. Review status: criteria provided, single submitter. Criteria: ACMG Guidelines, 2015. Collection method: not provided. Allele origin: germline. Inheritance: Autosomal recessive inheritance. Affected: yes.

Mayo Clinic Laboratories, Mayo Clinic
Classification: Benign. Last evaluated: 2017-10-16. Review status: no assertion criteria provided. Collection method: clinical testing. Allele origin: unknown. Not counted in ClinVar's aggregate classification.